The following is an entry in ClinVar:

ClinVar aggregate classification (germline): Uncertain significance (1 of 4 stars; one submission).

Conditions:
Hereditary cancer-predisposing syndrome. Also called: Neoplastic Syndromes, Hereditary; Hereditary Cancer Syndrome; Tumor predisposition; Hereditary neoplastic syndrome. Identifiers: Orphanet 140162, MedGen C0027672, MeSH D009386, MONDO:0015356.

Submission:

Ambry Genetics
Classification: Uncertain significance for Hereditary cancer-predisposing syndrome. Last evaluated: 2025-02-26. Review status: criteria provided, single submitter. Criteria: Ambry Variant Classification Scheme 2023. Collection method: clinical testing. Allele origin: germline.
Comment: The p.L399V variant (also known as c.1195C>G), located in coding exon 8 of the RAD50 gene, results from a C to G substitution at nucleotide position 1195. The leucine at codon 399 is replaced by valine, an amino acid with highly similar properties. This amino acid position is conserved. In addition, this alteration is predicted to be tolerated by in silico analysis. Based on the available evidence, the clinical significance of this variant remains unclear.

NM_005732.4(RAD50):c.1195C>G (p.Leu399Val)

Gene: RAD50 (RAD50 double strand break repair protein; plus strand). Cytogenetic location: 5q31.1.
Variant type: single nucleotide variant.
Coding change: c.1195C>G on transcript NM_005732.4 (MANE Select); coding-DNA position 1195, C replaced by G.
Protein change: p.Leu399Val; replaces leucine 399 with valine.
Molecular consequence: missense variant.
Genome position (GRCh38, 1-based): chr5:132,588,830, C>G. VCF-style: chr5-132588830-C-G. GRCh37 (hg19) VCF-style: chr5-131924522-C-G.
Other names: short protein forms L399V.
Identifiers: ClinVar variation 3786318 (VCV003786318.1).